The following is an entry in ClinVar:

NM_000574.5(CD55):c.967C>T (p.Pro323Ser)

Gene: CD55 (CD55 molecule (Cromer blood group); plus strand). Cytogenetic location: 1q32.2.
Variant type: single nucleotide variant.
Coding change: c.967C>T on transcript NM_000574.5 (MANE Select); coding-DNA position 967, C replaced by T.
Protein change: p.Pro323Ser; replaces proline 323 with serine.
Molecular consequence: missense variant. On other transcripts: non-coding transcript variant (1).
Genome position (GRCh38, 1-based): chr1:207,336,806, C>T. VCF-style: chr1-207336806-C-T. GRCh37 (hg19) VCF-style: chr1-207510151-C-T.
Other names: c.967C>T, p.Pro323Ser (NM_001114752.3, NM_001300902.2, NM_001300903.2 and 1 more transcripts); short protein forms P323S.
Identifiers: ClinVar variation 2037923 (VCV002037923.4), dbSNP rs2526985725, ClinGen allele CA344519178.
Genomic context (GRCh38, chr1:207,336,806, plus strand): 5'-AATGTTCCAACTACAGAAGTCTCACCAACTTCTCAGAAAACCACCACAAAAACCACCACA[C>T]CAAATGCTCAAGGTACAGAGACTCCATCAGTTCTTCAAAAACACACCACAGAAAATGTTT-3'
Protein context (NP_000565.1, residues 313-333): SQKTTTKTTT[Pro323Ser]NAQATRSTPV

ClinVar aggregate classification (germline): Uncertain significance (1 of 4 stars; one submission).

Submission:

Labcorp Genetics (formerly Invitae), Labcorp
Classification: Uncertain significance. Last evaluated: 2022-06-15. Review status: criteria provided, single submitter. Criteria: Invitae Variant Classification Sherloc (09022015). Collection method: clinical testing. Allele origin: germline.
Comment: This variant is not present in population databases (gnomAD no frequency). This sequence change replaces proline, which is neutral and non-polar, with serine, which is neutral and polar, at codon 323 of the CD55 protein (p.Pro323Ser). In summary, the available evidence is currently insufficient to determine the role of this variant in disease. Therefore, it has been classified as a Variant of Uncertain Significance. Algorithms developed to predict the effect of missense changes on protein structure and function output the following: SIFT: "Tolerated"; PolyPhen-2: "Benign"; Align-GVGD: "Class C15". The serine amino acid residue is found in multiple mammalian species, which suggests that this missense change does not adversely affect protein function. This variant has not been reported in the literature in individuals affected with CD55-related conditions.